The following is an entry in ClinVar:

NM_152906.7(TANGO2):c.460G>A (p.Gly154Arg)

Gene: TANGO2 (transport and golgi organization 2 homolog; plus strand). Cytogenetic location: 22q11.21.
Variant type: single nucleotide variant.
Coding change: c.460G>A on transcript NM_152906.7 (MANE Select); coding-DNA position 460, G replaced by A.
Protein change: p.Gly154Arg; replaces glycine 154 with arginine.
Molecular consequence: missense variant. On other transcripts: non-coding transcript variant (3), intron variant (4).
Genome position (GRCh38, 1-based): chr22:20,061,538, G>A. VCF-style: chr22-20061538-G-A. GRCh37 (hg19) VCF-style: chr22-20049061-G-A.
Other names: NM_152906.7(TANGO2):c.460G>A; c.460G>A, p.Gly154Arg (NM_001283106.3, NM_001283116.3, NM_001283148.3 and 2 more transcripts); c.583G>A, p.Gly195Arg (NM_001283129.3, NM_001322141.2, NM_001322143.2 and 1 more transcripts); c.274G>A, p.Gly92Arg (NM_001283179.3, NM_001283186.3, NM_001322167.2 and 3 more transcripts); c.166G>A, p.Gly56Arg (NM_001283235.3, NM_001322171.2, NM_001322172.2 and 6 more transcripts); c.381-1800G>A (NM_001283199.3); c.575-3004G>A (NM_001283215.3); c.504-1800G>A (NM_001322149.2); and 3 more; short protein forms G154R, G120R, G56R, G92R, G133R, G195R.
Identifiers: ClinVar variation 208823 (VCV000208823.24), dbSNP rs752298579, ClinGen allele CA358646.

ClinVar aggregate classification (germline): Pathogenic/Likely pathogenic. Review status: criteria provided, multiple submitters, no conflicts (2 of 4 stars). 11 submissions from 11 submitters: Pathogenic (7); Likely pathogenic (2). 2 of the submissions do not count toward it. Last evaluated 2026-01-22.

Conditions:
Acute rhabdomyolysis. Identifiers: MedGen C3807306, HP:0008942.
Cardiac arrhythmia. Also called: Arrhythmia; Cardiac rhythm disease. Identifiers: MedGen C0003811, MONDO:0007263, HP:0011675.
Seizure. Also called: Seizures. Identifiers: MedGen C0036572, HP:0001250.
Intellectual disability. Also called: Intellectual functioning disability; Intellectual developmental disorder; intellectual disabilities. Identifiers: MedGen C3714756, MeSH D008607, MONDO:0001071, HP:0001249.
Episodic flaccid weakness. Identifiers: MedGen C4025572, HP:0003752.
Recurrent metabolic encephalomyopathic crises-rhabdomyolysis-cardiac arrhythmia-intellectual disability syndrome (MECRCN). Also called: METABOLIC CRISES, RECURRENT, WITH RHABDOMYOLYSIS, CARDIAC ARRHYTHMIAS, AND NEURODEGENERATION; Metabolic encephalomyopathic crises, recurrent, with rhabdomyolysis, cardiac arrhythmias, and neurodegeneration; TANGO2 Deficiency. Identifiers: Orphanet 480864, MedGen C5567524, MONDO:0018820, OMIM 616878.

Allele frequency attached by ClinVar (database versions not stated): TOPMed 0.00002; gnomAD exomes 0.00004 and 0.00014; ExAC 0.00023; gnomAD 0.00001.
gnomAD v4.1: 57 of 1,605,150 alleles (0.0036%); highest among the groups gnomAD compares: Admixed American, 0.049%; no homozygotes.

Submissions (11):

Variantyx, Inc.
Classification: Pathogenic for Recurrent metabolic encephalomyopathic crises-rhabdomyolysis-cardiac arrhythmia-intellectual disability syndrome. Last evaluated: 2026-01-22. Review status: criteria provided, single submitter. Criteria: Variantyx Assertion Criteria 2022. Collection method: clinical testing. Allele origin: germline. Inheritance: Autosomal recessive inheritance.
Comment: This is a nonsynonymous variant in the TANGO2 gene (OMIM: 616830). Pathogenic variants in this gene have been associated with autosomal recessive recurrent metabolic crises with rhabdomyolysis, cardiac arrhythmias, and neurodegeneration. This variant has been identified in the homozygous or compound heterozygous state in at least 6 individuals reported in the published literature (PMID: 26805781, 34668327) (PM3_Strong). Computational algorithms produce conflicting evidence regarding the predicted functional impact of this variant (REVEL score: 0.536), but functional studies have shown that this variant alters TANGO2 protein function (PMID: 26805781, 38855866) (PS3). This variant has a 0.0491% maximum allele frequency in non-founder control populations (PM2). Based on the current evidence, this variant is classified as pathogenic for autosomal recessive recurrent metabolic crises with rhabdomyolysis, cardiac arrhythmias, and neurodegeneration.

Labcorp Genetics (formerly Invitae), Labcorp
Classification: Pathogenic. Last evaluated: 2026-01-11. Review status: criteria provided, single submitter. Criteria: Invitae Variant Classification Sherloc (09022015). Collection method: clinical testing. Allele origin: germline.
Comment: This sequence change replaces glycine, which is neutral and non-polar, with arginine, which is basic and polar, at codon 154 of the TANGO2 protein (p.Gly154Arg). This variant is present in population databases (rs752298579, gnomAD 0.06%). This missense change has been observed in individual(s) with TANGO2-related conditions (PMID: 26805781). In at least one individual the data is consistent with being in trans (on the opposite chromosome) from a pathogenic variant. ClinVar contains an entry for this variant (Variation ID: 208823). An algorithm developed to predict the effect of missense changes on protein structure and function (PolyPhen-2) suggests that this variant is likely to be disruptive. Experimental studies have shown that this missense change affects TANGO2 function (PMID: 26805781). For these reasons, this variant has been classified as Pathogenic.

GeneDx
Classification: Pathogenic. Last evaluated: 2024-06-13. Review status: criteria provided, single submitter. Criteria: GeneDx Variant Classification Process June 2021. Collection method: clinical testing. Allele origin: germline. Affected: yes.
Comment: In silico analysis supports that this missense variant has a deleterious effect on protein structure/function; This variant is associated with the following publications: (PMID: 26805781, 31216405, 29369572, 32576985, 34668327)

Fulgent Genetics
Classification: Likely pathogenic for Recurrent metabolic encephalomyopathic crises-rhabdomyolysis-cardiac arrhythmia-intellectual disability syndrome. Last evaluated: 2024-03-29. Review status: criteria provided, single submitter. Criteria: ACMG Guidelines, 2015. Collection method: clinical testing. Allele origin: germline.

Broad Center for Mendelian Genomics, Broad Institute of MIT and Harvard
Classification: Likely pathogenic for Recurrent metabolic encephalomyopathic crises-rhabdomyolysis-cardiac arrhythmia-intellectual disability syndrome. Last evaluated: 2021-05-21. Review status: criteria provided, single submitter. Criteria: ACMG Guidelines, 2015. Collection method: curation. Allele origin: germline. Inheritance: Autosomal recessive inheritance.
Comment: The p.Gly154Arg variant in TANGO2 has been reported in 7 individuals with metabolic encephalomyopathic crises, recurrent, with rhabdomyolysis, cardiac arrhythmias, and neurodegeneration (MECRCN) (PMID: 26805781, 29369572, 32576985) and has been identified in in 0.07% (1/33224) Latino/Admixed American chromosomes by the Genome Aggregation Database (gnomAD; dbSNP ID: rs752298579). Although this variant has been seen in the general population in a heterozygous state, its frequency is not high enough to rule out a pathogenic role. This variant has also been reported in ClinVar (Variation ID#: 208823) and has been interpreted as Pathogenic by Baylor Genetics, OMIM, GeneReviews, Undiagnosed Diseases Network (NIH), and Department of Molecular and Human Genetics (Baylor College of Medicine). In vitro functional studies provide some evidence that the p.Gly154Arg variant may impact protein function (PMID: 26805781). However, these types of assays may not accurately represent biological function. Of the 7 affected individuals, 4 of those were homozygotes and 3 were compound heterozygotes that carried a reported pathogenic variant in trans, which increases the likelihood that the p.Gly154Arg variant is pathogenic (Variation ID: 224770; PMID: 26805781, 32576985). Computational prediction tools and conservation analyses do not provide strong support for or against an impact to the protein. In summary, although additional studies are required to fully establish its clinical significance, this variant is likely pathogenic for autosomal recessive MECRCN. ACMG/AMP Criteria applied: PM3_very-strong, PS3_moderate (Richards 2015).

Department of Molecular and Human Genetics, Baylor College of Medicine
Classification: Pathogenic for Recurrent metabolic encephalomyopathic crises-rhabdomyolysis-cardiac arrhythmia-intellectual disability syndrome. Last evaluated: 2020-04-16. Review status: criteria provided, single submitter. Criteria: ACMG Guidelines, 2015. Collection method: clinical testing. Allele origin: inherited. Affected: yes. Observed: 1 heterozygote.

Undiagnosed Diseases Network, NIH
Classification: Pathogenic for Recurrent metabolic encephalomyopathic crises-rhabdomyolysis-cardiac arrhythmia-intellectual disability syndrome. Last evaluated: 2016-04-11. Review status: criteria provided, single submitter. Criteria: ACMG Guidelines, 2015. Collection method: clinical testing. Allele origin: paternal. Affected: yes. Observed: 1 compound heterozygote.
Comment: This variant has been described in multiple affected individuals (PMID 26805781)

Baylor Genetics
Classification: Pathogenic for Acute rhabdomyolysis; Episodic flaccid weakness; Intellectual disability; Seizures; Arrhythmia. Last evaluated: 2015-09-01. Review status: criteria provided, single submitter. Criteria: Submitter's publication. Collection method: clinical testing, research. Allele origin: germline, maternal. Inheritance: Autosomal recessive inheritance. Affected: yes. Observed: 1 compound heterozygote, 4 homozygotes. Clinical features observed: Seizures (HP:0001250), Developmental regression (HP:0002376), Rhabdomyolysis (HP:0003201), Myoglobinuria (HP:0002913), Hypoglycemia (HP:0001943), Atrophy/Degeneration affecting the cerebrum (HP:0007369), Exotropia (HP:0000577), Microcephaly (HP:0000252), Myopathic facies (HP:0002058), Hypertonia (HP:0001276), Brisk reflexes (HP:0001348), Babinski sign (HP:0003487), and 19 more. Study: TANGO2.
Comment: Pathogenicity based on finding the variant in the homozygous state in 4 individuals, and in 1 compound heterozygote, all affected with a similar condition of recurrent rhabdomyolysis, intellectual disability, seizures, recurrent episodes of muscle weakness and metabolic crises, and cardiac arrhythmia.

Neuberg Centre For Genomic Medicine, NCGM
Classification: Pathogenic for Recurrent metabolic encephalomyopathic crises-rhabdomyolysis-cardiac arrhythmia-intellectual disability syndrome. Review status: criteria provided, single submitter. Criteria: ACMG Guidelines, 2015. Collection method: clinical testing. Allele origin: germline. Inheritance: Autosomal recessive inheritance. Affected: yes.
Comment: The TANGO2 c.460G>A (p.Gly154Arg) variant has been reported in homozygous and compound heterozygous state in individuals affected with metabolic encephalomyopathic crises, recurrent, with rhabdomyolysis, cardiac arrhythmias, and neurodegeneration (MECRCN) (Lalani SR et al; 2016, Lalani SR et al; 2018 ). The p.Gly154Arg variant is reported with the allele frequency of 0.01351% in gnomad Exomes and is novel (not in any individuals) in 1000 Genomes. This variant has been reported to the ClinVar database as Pathogenic/ Likely Pathogenic. The amino acid Gly at position 154 is changed to a Arg changing protein sequence and it might alter its composition and physico-chemical properties. The amino acid change p.Gly154Arg in TANGO2 is predicted as conserved by GERP++ and PhyloP across 100 vertebrates. Of the 7 affected individuals, 4 of those were homozygotes and 3 were compound heterozygotes that carried a reported pathogenic variant in trans, which increases the likelihood that the p.Gly154Arg variant is pathogenic (Lalani SR et al; 2016). For these reasons, this variant has been classified as Pathogenic.

OMIM
Classification: Pathogenic for METABOLIC CRISES, RECURRENT, WITH RHABDOMYOLYSIS, CARDIAC ARRHYTHMIAS, AND NEURODEGENERATION. Last evaluated: 2019-05-09. Review status: no assertion criteria provided. Collection method: literature only. Allele origin: germline. Not counted in ClinVar's aggregate classification.

GeneReviews
No classification provided. Condition: Recurrent metabolic encephalomyopathic crises-rhabdomyolysis-cardiac arrhythmia-intellectual disability syndrome. Review status: no classification provided. Collection method: literature only. Allele origin: germline. Not counted in ClinVar's aggregate classification.
Comment: Common variant in persons of Hispanic ethnicity from Latin America

Literature cited by the submitters: PubMed 26805781 (cited by 5 submitters); PubMed 34668327 (cited by Variantyx, Inc.); PubMed 38855866 (cited by Variantyx, Inc.); PubMed 32576985 (cited by Department of Molecular and Human Genetics, Baylor College of Medicine); PubMed 29369572 (cited by GeneReviews).